The following is an entry in ClinVar:

ClinVar aggregate classification (germline): Uncertain significance (1 of 4 stars; one submission).

Submission:

GeneDx
Classification: Uncertain significance. Last evaluated: 2023-06-07. Review status: criteria provided, single submitter. Criteria: GeneDx Variant Classification Process June 2021. Collection method: clinical testing. Allele origin: germline. Affected: yes.
Comment: Not observed at significant frequency in large population cohorts (gnomAD); In silico analysis supports that this missense variant has a deleterious effect on protein structure/function; Has not been previously published as pathogenic or benign to our knowledge

NM_182931.3(KMT2E):c.68C>T (p.Ser23Leu)

Gene: KMT2E (lysine methyltransferase 2E (inactive); plus strand). Cytogenetic location: 7q22.3.
Variant type: single nucleotide variant.
Coding change: c.68C>T on transcript NM_182931.3 (MANE Select); coding-DNA position 68, C replaced by T.
Protein change: p.Ser23Leu; replaces serine 23 with leucine.
Molecular consequence: missense variant.
Genome position (GRCh38, 1-based): chr7:105,041,020, C>T. VCF-style: chr7-105041020-C-T. GRCh37 (hg19) VCF-style: chr7-104681467-C-T.
Other names: c.68C>T, p.Ser23Leu (NM_001410908.1, NM_018682.4); short protein forms S23L.
Identifiers: ClinVar variation 3252452 (VCV003252452.1), dbSNP rs1584714647.